The following is an entry in ClinVar:

ClinVar aggregate classification (germline): Benign (3 of 4 stars; one submission).

Conditions:
Breast-ovarian cancer, familial, susceptibility to, 2 (BROVCA2). Also called: BRCA2 Hereditary Breast and Ovarian Cancer. Identifiers: Orphanet 145, MedGen C2675520, MONDO:0012933, OMIM 612555. Disease mechanism: loss of function.

Allele frequency attached by ClinVar (database versions not stated): 1000 Genomes Project 0.00679; gnomAD 0.00725 and 0.00793; 1000 Genomes Project 30x 0.00734; TOPMed 0.00805.
gnomAD v4.1: 1,095 of 152,214 alleles (0.72%); highest among the groups gnomAD compares: African/African-American, 2.5%; 16 homozygotes.

Submission:

Evidence-based Network for the Interpretation of Germline Mutant Alleles (ENIGMA)
Classification: Benign for Breast-ovarian cancer, familial 2. Last evaluated: 2015-01-12. Review status: reviewed by expert panel. Criteria: ENIGMA BRCA1/2 Classification Criteria (2015). Collection method: curation. Allele origin: germline.
Comment: Class 1 not pathogenic based on frequency >1% in an outbred sampleset. Frequency 0.02642 (African), derived from 1000 genomes (2012-04-30).

NM_000059.4(BRCA2):c.793+401G>T

Gene: BRCA2 (BRCA2 DNA repair associated; plus strand). Cytogenetic location: 13q13.1.
Variant type: single nucleotide variant.
Coding change: c.793+401G>T on transcript NM_000059.4 (MANE Select); 401 bases into the intron after coding-DNA position 793, G replaced by T.
Molecular consequence: intron variant.
Genome position (GRCh38, 1-based): chr13:32,331,431, G>T. VCF-style: chr13-32331431-G-T. GRCh37 (hg19) VCF-style: chr13-32905568-G-T.
Other names: IVS 9+401G>T.
Identifiers: ClinVar variation 209669 (VCV000209669.1), dbSNP rs74865284, ClinGen allele CA276638.
Genomic context (GRCh38, chr13:32,331,431, plus strand): 5'-TCCTTTCTTGACTACTGAAGTAGTATTTTATCTCAAAGTATTGAGAGTAGAAACTAACTT[G>T]GTGTGCCTGTGATCCCAGCTACTCAGGAGGCTGAGGTGGGAGGATCGCTTAAGCCCAGGC-3'